The following is an entry in ClinVar:

ClinVar aggregate classification (germline): Uncertain significance. Review status: criteria provided, multiple submitters, no conflicts (2 of 4 stars). 4 submissions from 4 submitters: Uncertain significance (3). 1 of the submissions does not count toward it. Last evaluated 2025-09-10.

Conditions:
Inborn genetic diseases. Identifiers: MedGen C0950123, MeSH D030342.
Muscular dystrophy-dystroglycanopathy (congenital with brain and eye anomalies), type A9. Also called: WALKER-WARBURG SYNDROME OR MUSCLE-EYE BRAIN DISEASE, DAG1-RELATED; Muscular dystrophy-dystroglycanopathy (congenital with brain and eye anomalies), type a, 9. Identifiers: Orphanet 370997, Orphanet 899, MedGen C4225291, MONDO:0014683, OMIM 616538.
Autosomal recessive limb-girdle muscular dystrophy type 2P. Also called: Limb-Girdle Muscular Dystrophy Type 9C; MUSCULAR DYSTROPHY, LIMB-GIRDLE, TYPE 2P; MUSCULAR DYSTROPHY-DYSTROGLYCANOPATHY, LIMB-GIRDLE, DAG1-RELATED. Identifiers: Orphanet 280333, MedGen C4511963, MONDO:0013440, OMIM 613818.
DAG1-related disorder. Also called: DAG1-related condition.

Allele frequency attached by ClinVar (database versions not stated): ESP Exome Variant Server 0.00008; gnomAD exomes below 0.00001 and 0.00004; gnomAD 0.00001; TOPMed 0.00002.
gnomAD v4.1: 55 of 1,614,130 alleles (0.0034%); highest among the groups gnomAD compares: Non-Finnish European, 0.0047%; no homozygotes.

Submissions (4):

Ambry Genetics
Classification: Uncertain significance for Inborn genetic diseases. Last evaluated: 2025-09-10. Review status: criteria provided, single submitter. Criteria: Ambry Variant Classification Scheme 2023. Collection method: clinical testing. Allele origin: germline.

Labcorp Genetics (formerly Invitae), Labcorp
Classification: Uncertain significance for Autosomal recessive limb-girdle muscular dystrophy type 2P; Muscular dystrophy-dystroglycanopathy (congenital with brain and eye anomalies), type A9. Last evaluated: 2022-11-15. Review status: criteria provided, single submitter. Criteria: Invitae Variant Classification Sherloc (09022015). Collection method: clinical testing. Allele origin: germline.
Comment: In summary, the available evidence is currently insufficient to determine the role of this variant in disease. Therefore, it has been classified as a Variant of Uncertain Significance. Advanced modeling of protein sequence and biophysical properties (such as structural, functional, and spatial information, amino acid conservation, physicochemical variation, residue mobility, and thermodynamic stability) has been performed at Invitae for this missense variant, however the output from this modeling did not meet the statistical confidence thresholds required to predict the impact of this variant on DAG1 protein function. ClinVar contains an entry for this variant (Variation ID: 581955). This variant has not been reported in the literature in individuals affected with DAG1-related conditions. This variant is present in population databases (rs142703906, gnomAD 0.0009%). This sequence change replaces glutamic acid, which is acidic and polar, with lysine, which is basic and polar, at codon 515 of the DAG1 protein (p.Glu515Lys).

Revvity Omics, Revvity
Classification: Uncertain significance. Last evaluated: 2020-06-29. Review status: criteria provided, single submitter. Criteria: ACMG Guidelines, 2015. Collection method: clinical testing. Allele origin: germline.

PreventionGenetics, part of Exact Sciences
Classification: Uncertain significance for DAG1-related condition. Last evaluated: 2024-03-29. Review status: no assertion criteria provided. Collection method: clinical testing. Allele origin: germline. Not counted in ClinVar's aggregate classification.
Comment: The DAG1 c.1543G>A variant is predicted to result in the amino acid substitution p.Glu515Lys. To our knowledge, this variant has not been reported in the literature. This variant is reported in 0.00088% of alleles in individuals of European (Non-Finnish) descent in gnomAD. At this time, the clinical significance of this variant is uncertain due to the absence of conclusive functional and genetic evidence.

NM_004393.6(DAG1):c.1543G>A (p.Glu515Lys)

Gene: DAG1 (dystroglycan 1; plus strand). Cytogenetic location: 3p21.31.
Variant type: single nucleotide variant.
Coding change: c.1543G>A on transcript NM_004393.6 (MANE Select); coding-DNA position 1543, G replaced by A.
Protein change: p.Glu515Lys; replaces glutamic acid 515 with lysine.
Molecular consequence: missense variant.
Genome position (GRCh38, 1-based): chr3:49,532,054, G>A. VCF-style: chr3-49532054-G-A. GRCh37 (hg19) VCF-style: chr3-49569487-G-A.
Other names: c.1543G>A (NM_004393.4, NM_001165928.3); c.1543G>A, p.Glu515Lys (NM_001165928.4, NM_001177644.3, NM_001177634.3 and 9 more transcripts); short protein forms E515K.
Identifiers: ClinVar variation 581955 (VCV000581955.10), dbSNP rs142703906, ClinGen allele CA74522279.